The following is an entry in ClinVar:

NM_000179.3(MSH6):c.1751C>T (p.Thr584Ile)

Gene: MSH6 (mutS homolog 6; plus strand). Cytogenetic location: 2p16.3.
Variant type: single nucleotide variant.
Coding change: c.1751C>T on transcript NM_000179.3 (MANE Select); coding-DNA position 1751, C replaced by T.
Protein change: p.Thr584Ile; replaces threonine 584 with isoleucine.
Molecular consequence: missense variant.
Genome position (GRCh38, 1-based): chr2:47,799,734, C>T. VCF-style: chr2-47799734-C-T. GRCh37 (hg19) VCF-style: chr2-48026873-C-T.
Other names: c.1361C>T, p.Thr454Ile (NM_001281492.2); c.845C>T, p.Thr282Ile (NM_001281493.2, NM_001281494.2); short protein forms T282I, T454I, T584I.
Identifiers: ClinVar variation 819977 (VCV000819977.6), dbSNP rs1572724260, ClinGen allele CA346748969.
Genomic context (GRCh38, chr2:47,799,734, plus strand): 5'-CACTGGGAAAGTTTTTCATAGGTCAGTTTTCAGATGATCGCCATTGTTCGAGATTTAGGA[C>T]TCTAGTGGCACACTATCCCCCAGTACAAGTTTTATTTGAAAAAGGAAATCTCTCAAAGGA-3'
Protein context (NP_000170.1, residues 574-594): SDDRHCSRFR[Thr584Ile]LVAHYPPVQV

ClinVar aggregate classification (germline): Uncertain significance. Review status: criteria provided, multiple submitters, no conflicts (2 of 4 stars). 2 submissions from 2 submitters: Uncertain significance (2). Last evaluated 2025-09-24.

Conditions:
Hereditary nonpolyposis colorectal neoplasms. Identifiers: MedGen C0009405, MeSH D003123.
Hereditary cancer-predisposing syndrome. Also called: Neoplastic Syndromes, Hereditary; Tumor predisposition; Hereditary Cancer Syndrome; Hereditary neoplastic syndrome. Identifiers: Orphanet 140162, MedGen C0027672, MeSH D009386, MONDO:0015356.

Submissions (2):

Ambry Genetics
Classification: Uncertain significance for Hereditary cancer-predisposing syndrome. Last evaluated: 2025-09-24. Review status: criteria provided, single submitter. Criteria: Ambry Variant Classification Scheme 2023. Collection method: clinical testing. Allele origin: germline.
Comment: The p.T584I variant (also known as c.1751C>T), located in coding exon 4 of the MSH6 gene, results from a C to T substitution at nucleotide position 1751. The threonine at codon 584 is replaced by isoleucine, an amino acid with similar properties. This amino acid position is highly conserved in available vertebrate species. In addition, this alteration is predicted to be deleterious by in silico analysis. Based on the available evidence, the clinical significance of this variant remains unclear.

Labcorp Genetics (formerly Invitae), Labcorp
Classification: Uncertain significance for Hereditary nonpolyposis colorectal neoplasms. Last evaluated: 2023-04-09. Review status: criteria provided, single submitter. Criteria: Invitae Variant Classification Sherloc (09022015). Collection method: clinical testing. Allele origin: germline.
Comment: In summary, the available evidence is currently insufficient to determine the role of this variant in disease. Therefore, it has been classified as a Variant of Uncertain Significance. Advanced modeling of protein sequence and biophysical properties (such as structural, functional, and spatial information, amino acid conservation, physicochemical variation, residue mobility, and thermodynamic stability) has been performed at Invitae for this missense variant, however the output from this modeling did not meet the statistical confidence thresholds required to predict the impact of this variant on MSH6 protein function. ClinVar contains an entry for this variant (Variation ID: 819977). This variant has not been reported in the literature in individuals affected with MSH6-related conditions. This variant is not present in population databases (gnomAD no frequency). This sequence change replaces threonine, which is neutral and polar, with isoleucine, which is neutral and non-polar, at codon 584 of the MSH6 protein (p.Thr584Ile).